The following is an entry in ClinVar:

NM_004369.4(COL6A3):c.2570A>G (p.Asp857Gly)

Gene: COL6A3 (collagen type VI alpha 3 chain; minus strand). Cytogenetic location: 2q37.3.
Variant type: single nucleotide variant.
Coding change: c.2570A>G on transcript NM_004369.4 (MANE Select); coding-DNA position 2570, A replaced by G.
Protein change: p.Asp857Gly; replaces aspartic acid 857 with glycine.
Molecular consequence: missense variant.
Genome position (GRCh38, 1-based): chr2:237,377,272, T>C on the plus strand (A>G on the coding strand, the complement: COL6A3 is on the minus strand). VCF-style: chr2-237377272-T-C. GRCh37 (hg19) VCF-style: chr2-238285915-T-C.
Other names: c.1349A>G, p.Asp450Gly (NM_057164.5); c.1952A>G, p.Asp651Gly (NM_057165.5, NM_057167.4); c.749A>G, p.Asp250Gly (NM_057166.5); short protein forms D250G, D450G, D651G, D857G.
Identifiers: ClinVar variation 940342 (VCV000940342.10), dbSNP rs2077873907, ClinGen allele CA351211243.

ClinVar aggregate classification (germline): Uncertain significance (1 of 4 stars; one submission).

Conditions:
Bethlem myopathy 1A. Also called: Bethlem Muscular Dystrophy; MYOPATHY, BENIGN CONGENITAL, WITH CONTRACTURES; Bethlem myopathy 1. Identifiers: Orphanet 610, MedGen CN029274, MONDO:0024530, OMIM 158810.

Submission:

Labcorp Genetics (formerly Invitae), Labcorp
Classification: Uncertain significance for Bethlem myopathy 1A. Last evaluated: 2019-08-28. Review status: criteria provided, single submitter. Criteria: Invitae Variant Classification Sherloc (09022015). Collection method: clinical testing. Allele origin: germline.
Comment: In summary, the available evidence is currently insufficient to determine the role of this variant in disease. Therefore, it has been classified as a Variant of Uncertain Significance. Algorithms developed to predict the effect of missense changes on protein structure and function are either unavailable or do not agree on the potential impact of this missense change (SIFT: "Deleterious"; PolyPhen-2: "Probably Damaging"; Align-GVGD: "Class C15"). This variant has not been reported in the literature in individuals with COL6A3-related conditions. This variant is not present in population databases (ExAC no frequency). This sequence change replaces aspartic acid with glycine at codon 857 of the COL6A3 protein (p.Asp857Gly). The aspartic acid residue is highly conserved and there is a moderate physicochemical difference between aspartic acid and glycine.